The following is an entry in ClinVar:

NM_000059.4(BRCA2):c.4685A>C (p.Gln1562Pro)

Gene: BRCA2 (BRCA2 DNA repair associated; plus strand). Cytogenetic location: 13q13.1.
Variant type: single nucleotide variant.
Coding change: c.4685A>C on transcript NM_000059.4 (MANE Select); coding-DNA position 4685, A replaced by C.
Protein change: p.Gln1562Pro; replaces glutamine 1562 with proline.
Molecular consequence: missense variant.
Genome position (GRCh38, 1-based): chr13:32,339,040, A>C. VCF-style: chr13-32339040-A-C. GRCh37 (hg19) VCF-style: chr13-32913177-A-C.
Other names: short protein forms Q1562P.
Identifiers: ClinVar variation 229904 (VCV000229904.24), dbSNP rs544688816, ClinGen allele CA6940805.

ClinVar aggregate classification (germline): Conflicting classifications of pathogenicity. Review status: criteria provided, conflicting classifications (1 of 4 stars). 7 submissions from 7 submitters: Uncertain significance (5); Likely benign (2). Last evaluated 2025-08-24.

Conditions:
BRCA2-related cancer predisposition. Identifiers: MedGen CN377758, MONDO:0700269.
Hereditary cancer-predisposing syndrome. Also called: Hereditary neoplastic syndrome; Hereditary Cancer Syndrome; Neoplastic Syndromes, Hereditary; Tumor predisposition. Identifiers: Orphanet 140162, MedGen C0027672, MeSH D009386, MONDO:0015356.
Familial cancer of breast. Also called: Hereditary breast cancer; BREAST CANCER, FAMILIAL; hereditary breast carcinoma. Identifiers: Orphanet 227535, MedGen C0346153, MONDO:0016419, OMIM 114480. Disease mechanism: loss of function.
Hereditary breast ovarian cancer syndrome. Also called: Hereditary breast and ovarian cancer syndrome; Hereditary breast and ovarian cancer syndrome (HBOC); Breast and ovarian cancer; Hereditary breast and/or ovarian cancer syndrome; Hereditary breast and ovarian cancer; BRCA1- and BRCA2-Associated Hereditary Breast and Ovarian Cancer. Identifiers: Orphanet 145, MedGen C0677776, MeSH D061325, MONDO:0003582. Disease mechanism: loss of function.

Allele frequency attached by ClinVar (database versions not stated): gnomAD exomes below 0.00001 and 0.00001; ExAC 0.00001; gnomAD 0.00001; 1000 Genomes Project 30x 0.00031; 1000 Genomes Project 0.00040.
gnomAD v4.1: 4 of 1,614,064 alleles (0.00025%); highest among the groups gnomAD compares: East Asian, 0.0067%; no homozygotes.

Submissions (7):

Labcorp Genetics (formerly Invitae), Labcorp
Classification: Uncertain significance for Hereditary breast ovarian cancer syndrome. Last evaluated: 2025-08-24. Review status: criteria provided, single submitter. Criteria: Invitae Variant Classification Sherloc (09022015). Collection method: clinical testing. Allele origin: germline.
Comment: This sequence change replaces glutamine, which is neutral and polar, with proline, which is neutral and non-polar, at codon 1562 of the BRCA2 protein (p.Gln1562Pro). This variant is present in population databases (rs544688816, gnomAD 0.006%). This missense change has been observed in individual(s) with breast and/or ovarian cancer (PMID: 30982232). ClinVar contains an entry for this variant (Variation ID: 229904). Invitae Evidence Modeling of protein sequence and biophysical properties (such as structural, functional, and spatial information, amino acid conservation, physicochemical variation, residue mobility, and thermodynamic stability) indicates that this missense variant is not expected to disrupt BRCA2 protein function with a negative predictive value of 95%. In summary, the available evidence is currently insufficient to determine the role of this variant in disease. Therefore, it has been classified as a Variant of Uncertain Significance.

All of Us Research Program, National Institutes of Health
Classification: Uncertain significance for BRCA2-related cancer predisposition. Last evaluated: 2024-08-13. Review status: criteria provided, single submitter. Criteria: ACMG Guidelines, 2015. Collection method: clinical testing. Allele origin: germline. Inheritance: Autosomal dominant inheritance. Observed: 1 variant allele, 1 heterozygote.
Comment: This missense variant replaces glutamine with proline at codon 1562 of the BRCA2 protein. Computational prediction suggests that this variant may not impact protein structure and function (internally defined REVEL score threshold <= 0.5, PMID: 27666373). To our knowledge, functional studies have not been reported for this variant. This variant has not been reported in individuals affected with hereditary cancer in the literature. This variant has been identified in 3/251086 chromosomes in the general population by the Genome Aggregation Database (gnomAD). The available evidence is insufficient to determine the role of this variant in disease conclusively. Therefore, this variant is classified as a Variant of Uncertain Significance.

This study involves interpretation of variants in research participants for the purpose of population health screening. Participant phenotype was not available at the time of variant classification. Additional details can be found in publication PMID: 35346344, PMCID: PMC8962531

Color Diagnostics, LLC DBA Color Health
Classification: Uncertain significance for Hereditary cancer-predisposing syndrome. Last evaluated: 2024-07-10. Review status: criteria provided, single submitter. Criteria: ACMG Guidelines, 2015. Collection method: clinical testing. Allele origin: germline.
Comment: This missense variant replaces glutamine with proline at codon 1562 of the BRCA2 protein. Computational prediction suggests that this variant may not impact protein structure and function. To our knowledge, functional studies have not been reported for this variant. This variant has been reported in an individual affected with breast cancer (PMID: 30982232). This variant has been identified in 3/251086 chromosomes in the general population by the Genome Aggregation Database (gnomAD). The available evidence is insufficient to determine the role of this variant in disease conclusively. Therefore, this variant is classified as a Variant of Uncertain Significance.

Ambry Genetics
Classification: Uncertain significance for Hereditary cancer-predisposing syndrome. Last evaluated: 2024-04-15. Review status: criteria provided, single submitter. Criteria: Ambry Variant Classification Scheme 2023. Collection method: clinical testing. Allele origin: germline.
Comment: The p.Q1562P variant (also known as c.4685A>C), located in coding exon 10 of the BRCA2 gene, results from an A to C substitution at nucleotide position 4685. The glutamine at codon 1562 is replaced by proline, an amino acid with similar properties. This alteration was identified in a cohort of 481 Chinese breast cancer patients with family history of breast/ovarian cancer (Wang J et al. Cancer Med, 2019 May;8:2074-2084). This amino acid position is not well conserved in available vertebrate species. In addition, this alteration is predicted to be tolerated by in silico analysis. SBased on the available evidence, the clinical significance of this variant remains unclear.

MGZ Medical Genetics Center
Classification: Likely benign for Familial cancer of breast. Last evaluated: 2024-02-09. Review status: criteria provided, single submitter. Criteria: CSpec BRCA1/2ACMG Rules Specifications V1.1.0. Collection method: clinical testing. Allele origin: germline. Affected: yes.
Comment: ACMG codes applied following ENIGMA VCEP rules: BP1_STR

University of Washington Department of Laboratory Medicine, University of Washington
Classification: Likely benign for Hereditary cancer-predisposing syndrome. Last evaluated: 2023-03-23. Review status: criteria provided, single submitter. Criteria: Dines et al. (Genet Med. 2020). Collection method: curation. Allele origin: germline.
Comment: Missense variant in a coldspot region where missense variants are very unlikely to be pathogenic (PMID:31911673).

BRCA2 exon 11 coldspot. Reclassification based on statistical prior probability.

GeneDx
Classification: Uncertain significance. Last evaluated: 2015-02-19. Review status: criteria provided, single submitter. Criteria: GeneDx Variant Classification (06012015). Collection method: clinical testing. Allele origin: germline. Affected: yes.
Comment: This variant is denoted BRCA2 c.4685A>C at the cDNA level, p.Gln1562Pro (Q1562P) at the protein level, and results in the change of a Glutamine to a Proline (CAA>CCA). Using alternate nomenclature, this variant would be defined as BRCA2 4913A>C. This variant has not, to our knowledge, been published in the literature as pathogenic or benign. BRCA2 Gln1562Pro was not observed at a significant allele frequency in 1000 Genomes. Since Glutamine and Proline differ in polarity, charge, size or other properties, this is considered a non-conservative amino acid substitution. BRCA2 Gln1562Pro occurs at a position that is moderately conserved across species and is located in the RAD51 binding motif (Roy 2012). In silico analyses predict that this variant is unlikely to alter protein structure or function. Based on currently available information, it is unclear whether BRCA2 Gln1562Pro is pathogenic or benign. We consider it to be a variant of uncertain significance.

Literature cited by the submitters: PubMed 30982232 (cited by 3 submitters).